The following is an entry in ClinVar:

NM_020461.4(TUBGCP6):c.3732C>T (p.His1244=)

Gene: TUBGCP6 (tubulin gamma complex component 6; minus strand). Cytogenetic location: 22q13.33.
Variant type: single nucleotide variant.
Coding change: c.3732C>T on transcript NM_020461.4 (MANE Select); coding-DNA position 3732, C replaced by T.
Protein change: p.His1244=; no amino-acid change (histidine 1244 retained).
Molecular consequence: synonymous variant.
Genome position (GRCh38, 1-based): chr22:50,220,627, G>A on the plus strand (C>T on the coding strand, the complement: TUBGCP6 is on the minus strand). VCF-style: chr22-50220627-G-A. GRCh37 (hg19) VCF-style: chr22-50659056-G-A.
Identifiers: ClinVar variation 522311 (VCV000522311.49), dbSNP rs140699312, ClinGen allele CA10307839.
Genomic context (GRCh38, chr22:50,220,627, plus strand): 5'-TGGCCGGGTGGAAACCACATCCGACACAGGCTCCCCCAAGCTGATGCTGGCGTCGGACAC[G>A]TGTCCATGGGTGTTGCACCGTGACCGGATGGGAGCCACGTCCGATACGTTCTCCCCAACC-3'
Protein context (NP_065194.3, residues 1234-1254): PIRSRCNTHG[His1244=]VSDASISLGE

ClinVar aggregate classification (germline): Benign/Likely benign. Review status: criteria provided, multiple submitters, no conflicts (2 of 4 stars). 5 submissions from 5 submitters: Benign (1); Likely benign (3). 1 of the submissions does not count toward it. Last evaluated 2026-03-01.

Conditions:
Microcephaly and chorioretinopathy 1. Also called: Microcephaly and chorioretinopathy, autosomal recessive, 1. Identifiers: MedGen C3278481, MONDO:0009624, OMIM 251270.

Allele frequency attached by ClinVar (database versions not stated): 1000 Genomes Project 30x 0.00172; 1000 Genomes Project 0.00180; ESP Exome Variant Server 0.00369.
gnomAD v4.1: 6,214 of 1,612,090 alleles (0.39%); highest among the groups gnomAD compares: Non-Finnish European, 0.49%; 16 homozygotes.

Submissions (5):

CeGaT Center for Human Genetics Tuebingen
Classification: Likely benign. Last evaluated: 2026-03-01. Review status: criteria provided, single submitter. Criteria: CeGaT Center For Human Genetics Tuebingen Variant Classification Criteria Version 2. Collection method: clinical testing. Allele origin: germline. Affected: yes. Observed: 21 variant alleles.
Comment: TUBGCP6: BP4, BP7, BS2

Labcorp Genetics (formerly Invitae), Labcorp
Classification: Benign. Last evaluated: 2026-02-01. Review status: criteria provided, single submitter. Criteria: Invitae Variant Classification Sherloc (09022015). Collection method: clinical testing. Allele origin: germline.

GeneDx
Classification: Likely benign. Last evaluated: 2020-12-02. Review status: criteria provided, single submitter. Criteria: GeneDx Variant Classification Process June 2021. Collection method: clinical testing. Allele origin: germline. Affected: yes.

Clinical Genetics DNA and cytogenetics Diagnostics Lab, Erasmus MC, Erasmus Medical Center
Classification: Likely benign for Microcephaly and chorioretinopathy 1. Last evaluated: 2017-06-28. Review status: criteria provided, single submitter. Criteria: ACGS Guidelines, 2013. Collection method: clinical testing. Allele origin: germline. Affected: yes. Study: VKGL Data-share Consensus.

Clinical Genetics, Academic Medical Center
Classification: Benign. Review status: no assertion criteria provided. Collection method: clinical testing. Allele origin: germline. Affected: yes. Study: VKGL Data-share Consensus. Not counted in ClinVar's aggregate classification.